The following is an entry in ClinVar:

NM_003638.3(ITGA8):c.1764+1G>A

Gene: ITGA8 (integrin subunit alpha 8; minus strand). Cytogenetic location: 10p13.
Variant type: single nucleotide variant.
Coding change: c.1764+1G>A on transcript NM_003638.3 (MANE Select); the canonical splice donor site of the intron after coding-DNA position 1764, G replaced by A.
Molecular consequence: splice donor variant.
Genome position (GRCh38, 1-based): chr10:15,607,676, C>T on the plus strand (G>A on the coding strand, the complement: ITGA8 is on the minus strand). VCF-style: chr10-15607676-C-T. GRCh37 (hg19) VCF-style: chr10-15649675-C-T.
Other names: c.1719+1G>A (NM_001291494.2).
Identifiers: ClinVar variation 2627439 (VCV002627439.1), dbSNP rs2491052121, ClinGen allele CA376102388.
Genomic context (GRCh38, chr10:15,607,676, plus strand): 5'-AAAATGGTTGGAATTTGGATATGAAGGAGAGAGGCCAGAGAAGTCTTTCTGGAATACTTA[C>T]TCGAAGGTAAACGATGAAATCCTGGCACTGGTGGGATTTCTGCCTTTTTATCACAAGAGG-3'

ClinVar aggregate classification (germline): Likely pathogenic (1 of 4 stars; one submission).

Conditions:
Renal hypodysplasia/aplasia 1 (RHDA1). Also called: HEREDITARY RENAL APLASIA; RENAL APLASIA. Identifiers: Orphanet 411709, MedGen C1619700, MONDO:0024519, OMIM 191830.

Submission:

Neuberg Centre For Genomic Medicine, NCGM
Classification: Likely pathogenic for Renal hypodysplasia/aplasia 1. Review status: criteria provided, single submitter. Criteria: ACMG Guidelines, 2015. Collection method: clinical testing. Allele origin: germline. Inheritance: Autosomal recessive inheritance. Affected: yes.
Comment: The splice donor variant c.1764+1G>A in ITGA8 (NM_003638.3) has not been reported previously as a pathogenic variant nor as a benign variant, to our knowledge. The c.1764+1G>A variant is novel (not in any individuals) in gnomAD Exomes and is novel (not in any individuals) in 1000 Genomes. This variant affects an invariant splice nucleotide and hence is predicted. For these reasons, this variant has been classified as Likely Pathogenic.